The following is an entry in ClinVar:

ClinVar aggregate classification (germline): Uncertain significance (1 of 4 stars; one submission).

Submission:

Ambry Genetics
Classification: Uncertain significance. Last evaluated: 2023-11-23. Review status: criteria provided, single submitter. Criteria: Ambry Variant Classification Scheme 2023. Collection method: clinical testing. Allele origin: germline.
Comment: The p.I185T variant (also known as c.554T>C), located in coding exon 4 of the BUB3 gene, results from a T to C substitution at nucleotide position 554. The isoleucine at codon 185 is replaced by threonine, an amino acid with similar properties. This amino acid position is conserved. In addition, this alteration is predicted to be deleterious by in silico analysis. Since supporting evidence is limited at this time, the clinical significance of this alteration remains unclear.

NM_004725.4(BUB3):c.554T>C (p.Ile185Thr)

Gene: BUB3 (BUB3 mitotic checkpoint protein; plus strand). Cytogenetic location: 10q26.13.
Variant type: single nucleotide variant.
Coding change: c.554T>C on transcript NM_004725.4 (MANE Select); coding-DNA position 554, T replaced by C.
Protein change: p.Ile185Thr; replaces isoleucine 185 with threonine.
Molecular consequence: missense variant.
Genome position (GRCh38, 1-based): chr10:123,160,543, T>C. VCF-style: chr10-123160543-T-C. GRCh37 (hg19) VCF-style: chr10-124920059-T-C.
Other names: c.554T>C, p.Ile185Thr (NM_001007793.3); short protein forms I185T.
Identifiers: ClinVar variation 3224509 (VCV003224509.1), dbSNP rs2493763375, ClinGen allele CA378626352.
Genomic context (GRCh38, chr10:123,160,543, plus strand): 5'-GGAACATGGGTTACGTGCAGCAGCGCAGGGAGTCCAGCCTGAAATACCAGACTCGCTGCA[T>C]ACGAGCGTTTCCAAACAAGCAGGTATTGAACTATACCTCCTCTTCTTTCTGGAATTTGAA-3'
Protein context (NP_004716.1, residues 175-195): ESSLKYQTRC[Ile185Thr]RAFPNKQGYV